The following is an entry in ClinVar:

ClinVar aggregate classification (germline): Uncertain significance. Review status: criteria provided, multiple submitters, no conflicts (2 of 4 stars). 2 submissions from 2 submitters: Uncertain significance (2). Last evaluated 2025-08-09.

Conditions:
Inborn genetic diseases. Identifiers: MedGen C0950123, MeSH D030342.

gnomAD v4.1: 1 of 1,614,056 alleles (0.000062%); no homozygotes.

Submissions (2):

Ambry Genetics
Classification: Uncertain significance for Inborn genetic diseases. Last evaluated: 2025-08-09. Review status: criteria provided, single submitter. Criteria: Ambry Variant Classification Scheme 2023. Collection method: clinical testing. Allele origin: germline.

GeneDx
Classification: Uncertain significance. Last evaluated: 2023-06-09. Review status: criteria provided, single submitter. Criteria: GeneDx Variant Classification Process June 2021. Collection method: clinical testing. Allele origin: germline. Affected: yes.
Comment: Not observed at significant frequency in large population cohorts (gnomAD); In silico analysis supports that this missense variant has a deleterious effect on protein structure/function; Has not been previously published as pathogenic or benign to our knowledge

NM_021728.4(OTX2):c.172C>G (p.Leu58Val)

Gene: OTX2 (orthodenticle homeobox 2; minus strand). Cytogenetic location: 14q22.3.
Variant type: single nucleotide variant.
Coding change: c.172C>G on transcript NM_021728.4 (MANE Select); coding-DNA position 172, C replaced by G.
Protein change: p.Leu58Val; replaces leucine 58 with valine.
Molecular consequence: missense variant.
Genome position (GRCh38, 1-based): chr14:56,804,289, G>C on the plus strand (C>G on the coding strand, the complement: OTX2 is on the minus strand). VCF-style: chr14-56804289-G-C. GRCh37 (hg19) VCF-style: chr14-57271007-G-C.
Other names: c.148C>G, p.Leu50Val (NM_001270523.2, NM_001270524.2, NM_172337.3); c.172C>G, p.Leu58Val (NM_001270525.2); c.148C>G (NM_172337.1); short protein forms L50V, L58V.
Identifiers: ClinVar variation 3359617 (VCV003359617.2).
Genomic context (GRCh38, chr14:56,804,289, plus strand): 5'-CCTCTCGCATGAAGATGTCTGGGTACCGGGTCTTGGCAAACAGTGCTTCCAGCACATCTA[G>C]CTGCGCCCGAGTGAACGTCGTCCTCTCCCGGCGCTGTTTCCGGGGGGTGGCTGCGGGACA-3'
Protein context (NP_068374.1, residues 48-68): RERTTFTRAQ[Leu58Val]DVLEALFAKT